The following is an entry in ClinVar:

NM_033380.3(COL4A5):c.4821+2T>C

Gene: COL4A5 (collagen type IV alpha 5 chain; plus strand). Cytogenetic location: Xq22.3.
Variant type: single nucleotide variant.
Coding change: c.4821+2T>C on transcript NM_033380.3 (MANE Select); the canonical splice donor site of the intron after coding-DNA position 4821, T replaced by C.
Molecular consequence: splice donor variant.
Genome position (GRCh38, 1-based): chrX:108,694,923, T>C. VCF-style: chrX-108694923-T-C. GRCh37 (hg19) VCF-style: chrX-107938153-T-C.
Other names: c.4803+2T>C (NM_000495.5).
Identifiers: ClinVar variation 1388280 (VCV001388280.8), dbSNP rs2148001764, ClinGen allele CA414132630.
Genomic context (GRCh38, chrX:108,694,923, plus strand): 5'-AGATTCCCCATTGTCCTCAGGGATGGGATTCTCTGTGGATTGGTTATTCCTTCATGATGG[T>C]ATTTTACACTCTTCCTTGCATTTGTCATCATAGCTGACTGTCCATTCCATCTACATTTCT-3'

ClinVar aggregate classification (germline): Pathogenic (1 of 4 stars; one submission).

Submission:

Labcorp Genetics (formerly Invitae), Labcorp
Classification: Pathogenic. Last evaluated: 2025-06-12. Review status: criteria provided, single submitter. Criteria: Invitae Variant Classification Sherloc (09022015). Collection method: clinical testing. Allele origin: germline.
Comment: This sequence change affects a donor splice site in intron 49 of the COL4A5 gene. RNA analysis indicates that disruption of this splice site induces altered splicing and may result in an absent or altered protein product. This variant is not present in population databases (gnomAD no frequency). Disruption of this splice site has been observed in individuals with clinical features of Alport syndrome (PMID: 8940267; internal data). ClinVar contains an entry for this variant (Variation ID: 1388280). Studies have shown that disruption of this splice site results in aberrant splicing, and produces a non-functional protein and/or introduces a premature termination codon (PMID: 8940267). For these reasons, this variant has been classified as Pathogenic.

Literature cited by the submitters: PubMed 8940267.